The following is an entry in ClinVar:

NM_000138.5(FBN1):c.3874del (p.Cys1291_Leu1292insTer)

Gene: FBN1 (fibrillin 1; minus strand). Cytogenetic location: 15q21.1.
Variant type: Deletion.
Coding change: c.3874del on transcript NM_000138.5 (MANE Select); coding-DNA position 3874, one base deleted (C; older notation c.3874delC).
Protein change: p.Cys1291_Leu1292insTer.
Molecular consequence: nonsense.
Genome position (GRCh38, 1-based): chr15:48,481,745, G deleted on the plus strand (C on the coding strand, the reverse complement: FBN1 is on the minus strand); the first of 2 consecutive G bases (chr15:48,481,745-48,481,746); deleting either gives the same sequence. VCF-style (leftmost placement, unchanged base first): chr15-48481744-AG-A. GRCh37 (hg19) VCF-style: chr15-48773941-AG-A.
Other names: c.3874delC (NM_000138.4).
Identifiers: ClinVar variation 650082 (VCV000650082.8), dbSNP rs1597559048, ClinGen allele CA915946576.

ClinVar aggregate classification (germline): Pathogenic (1 of 4 stars; one submission).

Conditions:
Familial thoracic aortic aneurysm and aortic dissection (TAAD). Also called: Thoracic aortic aneurysms and dissections. Identifiers: Orphanet 91387, MedGen C4707243, MONDO:0019625.
Marfan syndrome (MFS). Also called: FBN1-Related Marfan Syndrome; Marfan syndrome type 1; Marfan's syndrome; Marfan syndrome, classic; MARFAN SYNDROME, TYPE I. Identifiers: Orphanet 284963, Orphanet 558, MedGen C0024796, MONDO:0007947, OMIM 154700.

Submission:

Labcorp Genetics (formerly Invitae), Labcorp
Classification: Pathogenic for Marfan syndrome; Familial thoracic aortic aneurysm and aortic dissection. Last evaluated: 2019-05-25. Review status: criteria provided, single submitter. Criteria: Invitae Variant Classification Sherloc (09022015). Collection method: clinical testing. Allele origin: germline.
Comment: This sequence change creates a premature translational stop signal (p.Leu1292*) in the FBN1 gene. It is expected to result in an absent or disrupted protein product. For these reasons, this variant has been classified as Pathogenic. Loss-of-function variants in FBN1 are known to be pathogenic (PMID: 17657824, 19293843). This variant has not been reported in the literature in individuals with FBN1-related disease. This variant is not present in population databases (ExAC no frequency).

Literature cited by the submitters: PubMed 17657824; PubMed 19293843.